The following is an entry in ClinVar:

NM_001991.5(EZH1):c.803C>G (p.Ala268Gly)

Gene: EZH1 (enhancer of zeste 1 polycomb repressive complex 2 subunit; minus strand). Cytogenetic location: 17q21.2.
Variant type: single nucleotide variant.
Coding change: c.803C>G on transcript NM_001991.5 (MANE Select); coding-DNA position 803, C replaced by G.
Protein change: p.Ala268Gly; replaces alanine 268 with glycine.
Molecular consequence: missense variant.
Genome position (GRCh38, 1-based): chr17:42,718,582, G>C on the plus strand (C>G on the coding strand, the complement: EZH1 is on the minus strand). VCF-style: chr17-42718582-G-C. GRCh37 (hg19) VCF-style: chr17-40870600-G-C.
Other names: c.821C>G, p.Ala274Gly (NM_001321079.2); c.776C>G, p.Ala259Gly (NM_001321081.2); c.683C>G, p.Ala228Gly (NM_001321082.2); short protein forms A259G, A274G, A228G, A268G.
Identifiers: ClinVar variation 3091365 (VCV003091365.5), dbSNP rs184297654, ClinGen allele CA8582906.
Genomic context (GRCh38, chr17:42,718,582, plus strand): 5'-TCCCGCTGCACAGACTTGGCATTGGGGCCATCGATGTTGGGTGTGCACTGAGGGGGAAGT[G>C]CATTGGGGTCTGACATCTCTGTTAGTTCTCGATACCTATTTAAGAAAAGAGAGATAAGAG-3'
Protein context (NP_001982.2, residues 258-278): RELTEMSDPN[Ala268Gly]LPPQCTPNID

ClinVar aggregate classification (germline): Uncertain significance. Review status: criteria provided, multiple submitters, no conflicts (2 of 4 stars). 2 submissions from 2 submitters: Uncertain significance (2). Last evaluated 2026-01-01.

Allele frequency attached by ClinVar (database versions not stated): TOPMed 0.00005; ExAC 0.00006; gnomAD 0.00007; ESP Exome Variant Server 0.00008; gnomAD exomes 0.00009; 1000 Genomes Project 30x 0.00016; 1000 Genomes Project 0.00020.
gnomAD v4.1: 148 of 1,614,192 alleles (0.0092%); highest among the groups gnomAD compares: Non-Finnish European, 0.011%; no homozygotes.

Submissions (2):

CeGaT Center for Human Genetics Tuebingen
Classification: Uncertain significance. Last evaluated: 2026-01-01. Review status: criteria provided, single submitter. Criteria: CeGaT Center For Human Genetics Tuebingen Variant Classification Criteria Version 2. Collection method: clinical testing. Allele origin: germline. Affected: yes. Observed: 1 variant allele.
Comment: EZH1: PP2

Ambry Genetics
Classification: Uncertain significance. Last evaluated: 2024-01-17. Review status: criteria provided, single submitter. Criteria: Ambry Variant Classification Scheme 2023. Collection method: clinical testing. Allele origin: germline.